The following is an entry in ClinVar:

ClinVar aggregate classification (germline): Likely benign. Review status: criteria provided, multiple submitters, no conflicts (2 of 4 stars). 2 submissions from 2 submitters: Likely benign (2). Last evaluated 2025-09-09.

Conditions:
DIAPH3-related disorder. Also called: DIAPH3-related condition.

Allele frequency attached by ClinVar (database versions not stated): ESP Exome Variant Server 0.00017.
gnomAD v4.1: 93 of 1,613,958 alleles (0.0058%); highest among the groups gnomAD compares: African/African-American, 0.015%; no homozygotes.

Submissions (2):

PreventionGenetics, part of Exact Sciences
Classification: Likely benign for DIAPH3-related condition. Last evaluated: 2025-09-09. Review status: criteria provided, single submitter. Criteria: ACMG Guidelines, 2015. Collection method: clinical testing. Allele origin: germline.
Comment: This variant is classified as likely benign based on ACMG/AMP sequence variant interpretation guidelines (Richards et al. 2015 PMID: 25741868, with internal and published modifications).

Labcorp Genetics (formerly Invitae), Labcorp
Classification: Likely benign. Last evaluated: 2023-07-17. Review status: criteria provided, single submitter. Criteria: Invitae Variant Classification Sherloc (09022015). Collection method: clinical testing. Allele origin: germline.

NM_001042517.2(DIAPH3):c.3579A>G (p.Leu1193=)

Gene: DIAPH3 (diaphanous related formin 3; minus strand). Cytogenetic location: 13q21.2.
Variant type: single nucleotide variant.
Coding change: c.3579A>G on transcript NM_001042517.2 (MANE Select); coding-DNA position 3579, A replaced by G.
Protein change: p.Leu1193=; no amino-acid change (leucine 1193 retained).
Molecular consequence: synonymous variant.
Genome position (GRCh38, 1-based): chr13:59,666,587, T>C on the plus strand (A>G on the coding strand, the complement: DIAPH3 is on the minus strand). VCF-style: chr13-59666587-T-C. GRCh37 (hg19) VCF-style: chr13-60240721-T-C.
Other names: c.3546A>G, p.Leu1182= (NM_001258366.2); c.3441A>G, p.Leu1147= (NM_001258367.2); c.3369A>G, p.Leu1123= (NM_001258368.2); c.3579A>G (NM_001042517.1).
Identifiers: ClinVar variation 2072750 (VCV002072750.5), dbSNP rs375648930, ClinGen allele CA6995991.